The following is an entry in ClinVar:

NM_001807.6(CEL):c.1211TGG[1] (p.Val405del)

Gene: CEL (carboxyl ester lipase; plus strand). Cytogenetic location: 9q34.13.
Variant type: Microsatellite.
Coding change: c.1211TGG[1] on transcript NM_001807.6 (MANE Select); one copy of the 3-base unit TGG starting at c.1211; the reference has two copies in a row; one copy, 3 bases deleted.
Protein change: p.Val405del; deletes valine 405.
Molecular consequence: inframe deletion.
Genome position (GRCh38, 1-based): chr9:133,069,187-133,069,189, TGG deleted; deleting any 3 consecutive bases within chr9:133,069,183-133,069,189 gives the same sequence; the position shown is the placement nearest the transcript's 3' end. VCF-style (leftmost placement, unchanged base first): chr9-133069182-TGTG-T. GRCh37 (hg19) VCF-style: chr9-135944569-TGTG-T.
Other names: short protein forms V405del.
Identifiers: ClinVar variation 1049900 (VCV001049900.1), dbSNP rs2119067097, ClinGen allele CA2580617131.

ClinVar aggregate classification (germline): Uncertain significance (0 of 4 stars; one submission).

Submission:

Department of Pathology and Laboratory Medicine, Sinai Health System
Classification: Uncertain significance. Review status: no assertion criteria provided. Collection method: clinical testing. Allele origin: unknown. Affected: yes. Study: The Canadian Open Genetics Repository (COGR).
Comment: The CEL p.Lys405del variant was not identified in the literature nor was it identified in the ClinVar, MutDB or LOVD 3.0 databases. The variant was identified in dbSNP (ID: rs1469365262) and Cosmic. The variant was identified in control databases in 3 of 180018 chromosomes at a frequency of 0.000017 (Genome Aggregation Database Feb 27, 2017). The variant was observed in the following populations: African in 2 of 10870 chromosomes (freq: 0.000184) and European (non-Finnish) in 1 of 75962 chromosomes (freq: 0.000013), but was not observed in the Latino, Ashkenazi Jewish, East Asian, European (Finnish), Other and South Asian populations. This variant is an in-frame deletion resulting in the removal of a lysine (lys) residue at codon 405; the impact of this alteration on CEL protein function is not known. In summary, based on the above information the clinical significance of this variant cannot be determined with certainty at this time. This variant is classified as a variant of uncertain significance.